The following is an entry in ClinVar:

ClinVar aggregate classification (germline): Uncertain significance (1 of 4 stars; one submission).

Conditions:
Developmental and epileptic encephalopathy, 9 (DEE9). Also called: JUBERG-HELLMAN SYNDROME; PCDH19-Related X-Linked Female-Limited Epilepsy with Mental Retardation; Early infantile epileptic encephalopathy 9; EPILEPSY, FEMALE-RESTRICTED, WITH MENTAL RETARDATION. Identifiers: Orphanet 101039, Orphanet 2076, MedGen C1848137, MONDO:0010246, OMIM 300088. Disease mechanism: loss of function.

gnomAD v4.1: 4 of 1,209,809 alleles (0.00033%); highest among the groups gnomAD compares: Non-Finnish European, 0.00045%; no homozygotes.

Submission:

Labcorp Genetics (formerly Invitae), Labcorp
Classification: Uncertain significance for Developmental and epileptic encephalopathy, 9. Last evaluated: 2024-09-17. Review status: criteria provided, single submitter. Criteria: Invitae Variant Classification Sherloc (09022015). Collection method: clinical testing. Allele origin: germline.
Comment: This sequence change replaces glutamic acid, which is acidic and polar, with aspartic acid, which is acidic and polar, at codon 911 of the PCDH19 protein (p.Glu911Asp). This variant is not present in population databases (gnomAD no frequency). This variant has not been reported in the literature in individuals affected with PCDH19-related conditions. Invitae Evidence Modeling of protein sequence and biophysical properties (such as structural, functional, and spatial information, amino acid conservation, physicochemical variation, residue mobility, and thermodynamic stability) indicates that this missense variant is not expected to disrupt PCDH19 protein function with a negative predictive value of 95%. In summary, the available evidence is currently insufficient to determine the role of this variant in disease. Therefore, it has been classified as a Variant of Uncertain Significance.

NM_001184880.2(PCDH19):c.2733G>T (p.Glu911Asp)

Gene: PCDH19 (protocadherin 19; minus strand). Cytogenetic location: Xq22.1.
Variant type: single nucleotide variant.
Coding change: c.2733G>T on transcript NM_001184880.2 (MANE Select); coding-DNA position 2733, G replaced by T.
Protein change: p.Glu911Asp; replaces glutamic acid 911 with aspartic acid.
Molecular consequence: missense variant.
Genome position (GRCh38, 1-based): chrX:100,342,018, C>A on the plus strand (G>T on the coding strand, the complement: PCDH19 is on the minus strand). VCF-style: chrX-100342018-C-A. GRCh37 (hg19) VCF-style: chrX-99597016-C-A.
Other names: c.2592G>T, p.Glu864Asp (NM_001105243.2); c.2589G>T, p.Glu863Asp (NM_020766.3); short protein forms E864D, E863D, E911D.
Identifiers: ClinVar variation 3696139 (VCV003696139.2).
Genomic context (GRCh38, chrX:100,342,018, plus strand): 5'-GACAGCAGTATCACAATACAGGCTCCGCTGGACATCATGCTCACTGTCAGTTTGGTCACT[C>A]TCCTCATGTCCACTATCCTTCAGGCTGTTGCCCTCTAAGTCCTTGAAGGTGGAGCTGCTG-3'
Protein context (NP_001171809.1, residues 901-921): GNSLKDSGHE[Glu911Asp]SDQTDSEHDV